The following is an entry in ClinVar:

ClinVar aggregate classification (germline): Uncertain significance. Review status: criteria provided, multiple submitters, no conflicts (2 of 4 stars). 2 submissions from 2 submitters: Uncertain significance (2). Last evaluated 2025-08-27.

Allele frequency attached by ClinVar (database versions not stated): gnomAD 0.00001 and 0.00003; gnomAD exomes 0.00002; ExAC 0.00003; 1000 Genomes Project 0.00080; 1000 Genomes Project 30x 0.00094.
gnomAD v4.1: 19 of 1,602,312 alleles (0.0012%); highest among the groups gnomAD compares: Admixed American, 0.028%; no homozygotes.

Submissions (2):

Ambry Genetics
Classification: Uncertain significance. Last evaluated: 2025-08-27. Review status: criteria provided, single submitter. Criteria: Ambry Variant Classification Scheme 2023. Collection method: clinical testing. Allele origin: germline.

Labcorp Genetics (formerly Invitae), Labcorp
Classification: Uncertain significance. Last evaluated: 2022-08-22. Review status: criteria provided, single submitter. Criteria: Invitae Variant Classification Sherloc (09022015). Collection method: clinical testing. Allele origin: germline.
Comment: This sequence change replaces glutamic acid, which is acidic and polar, with alanine, which is neutral and non-polar, at codon 1529 of the C5 protein (p.Glu1529Ala). This variant is present in population databases (rs542182447, gnomAD 0.01%). This variant has not been reported in the literature in individuals affected with C5-related conditions. ClinVar contains an entry for this variant (Variation ID: 1405160). Algorithms developed to predict the effect of missense changes on protein structure and function (SIFT, PolyPhen-2, Align-GVGD) all suggest that this variant is likely to be tolerated. In summary, the available evidence is currently insufficient to determine the role of this variant in disease. Therefore, it has been classified as a Variant of Uncertain Significance.

NM_001735.3(C5):c.4586A>C (p.Glu1529Ala)

Gene: C5 (complement C5; minus strand). Cytogenetic location: 9q33.2.
Variant type: single nucleotide variant.
Coding change: c.4586A>C on transcript NM_001735.3 (MANE Select); coding-DNA position 4586, A replaced by C.
Protein change: p.Glu1529Ala; replaces glutamic acid 1529 with alanine.
Molecular consequence: missense variant.
Genome position (GRCh38, 1-based): chr9:120,961,484, T>G on the plus strand (A>C on the coding strand, the complement: C5 is on the minus strand). VCF-style: chr9-120961484-T-G. GRCh37 (hg19) VCF-style: chr9-123723762-T-G.
Other names: c.4604A>C, p.Glu1535Ala (NM_001317163.2); c.4586A>C (NM_001735.2); short protein forms E1529A, E1535A.
Identifiers: ClinVar variation 1405160 (VCV001405160.4), dbSNP rs542182447, ClinGen allele CA5217138.